The following is an entry in ClinVar:

ClinVar aggregate classification (germline): Uncertain significance (1 of 4 stars; one submission).

gnomAD v4.1: 1 of 1,610,738 alleles (0.000062%); highest among the groups gnomAD compares: South Asian, 0.0011%; no homozygotes.

Submission:

Labcorp Genetics (formerly Invitae), Labcorp
Classification: Uncertain significance. Last evaluated: 2025-12-23. Review status: criteria provided, single submitter. Criteria: Invitae Variant Classification Sherloc (09022015). Collection method: clinical testing. Allele origin: germline.
Comment: This sequence change replaces glycine, which is neutral and non-polar, with serine, which is neutral and polar, at codon 3276 of the DCHS1 protein (p.Gly3276Ser). This variant is not present in population databases (gnomAD no frequency). This variant has not been reported in the literature in individuals affected with DCHS1-related conditions. Invitae Evidence Modeling of protein sequence and biophysical properties (such as structural, functional, and spatial information, amino acid conservation, physicochemical variation, residue mobility, and thermodynamic stability) indicates that this missense variant is not expected to disrupt DCHS1 protein function with a negative predictive value of 95%. In summary, the available evidence is currently insufficient to determine the role of this variant in disease. Therefore, it has been classified as a Variant of Uncertain Significance.

NM_003737.4(DCHS1):c.9826G>A (p.Gly3276Ser)

Gene: DCHS1 (dachsous cadherin-related 1; minus strand). Cytogenetic location: 11p15.4.
Variant type: single nucleotide variant.
Coding change: c.9826G>A on transcript NM_003737.4 (MANE Select); coding-DNA position 9826, G replaced by A.
Protein change: p.Gly3276Ser; replaces glycine 3276 with serine.
Molecular consequence: missense variant.
Genome position (GRCh38, 1-based): chr11:6,621,850, C>T on the plus strand (G>A on the coding strand, the complement: DCHS1 is on the minus strand). VCF-style: chr11-6621850-C-T. GRCh37 (hg19) VCF-style: chr11-6643081-C-T.
Other names: short protein forms G3276S.
Identifiers: ClinVar variation 4708555 (VCV004708555.1).